The following is an entry in ClinVar:

ClinVar aggregate classification (germline): Likely pathogenic (1 of 4 stars; one submission).

Submission:

Labcorp Genetics (formerly Invitae), Labcorp
Classification: Likely pathogenic. Last evaluated: 2022-03-10. Review status: criteria provided, single submitter. Criteria: Invitae Variant Classification Sherloc (09022015). Collection method: clinical testing. Allele origin: germline.
Comment: ClinVar contains an entry for this variant (Variation ID: 1068307). In summary, the currently available evidence indicates that the variant is pathogenic, but additional data are needed to prove that conclusively. Therefore, this variant has been classified as Likely Pathogenic. Algorithms developed to predict the effect of sequence changes on RNA splicing suggest that this variant may disrupt the consensus splice site. This variant has not been reported in the literature in individuals affected with COL2A1-related conditions. This variant is not present in population databases (gnomAD no frequency). This sequence change affects an acceptor splice site in intron 36 of the COL2A1 gene. It is expected to disrupt RNA splicing. Variants that disrupt the donor or acceptor splice site typically lead to a loss of protein function (PMID: 16199547), and loss-of-function variants in COL2A1 are known to be pathogenic (PMID: 20179744).

Literature cited by the submitters: PubMed 16199547; PubMed 20179744.

NM_001844.5(COL2A1):c.2410-1G>A

Gene: COL2A1 (collagen type II alpha 1 chain; minus strand). Cytogenetic location: 12q13.11.
Variant type: single nucleotide variant.
Coding change: c.2410-1G>A on transcript NM_001844.5 (MANE Select); the canonical splice acceptor site of the intron before coding-DNA position 2410, G replaced by A.
Molecular consequence: splice acceptor variant.
Genome position (GRCh38, 1-based): chr12:47,981,397, C>T on the plus strand (G>A on the coding strand, the complement: COL2A1 is on the minus strand). VCF-style: chr12-47981397-C-T. GRCh37 (hg19) VCF-style: chr12-48375180-C-T.
Other names: c.2203-1G>A (NM_033150.3).
Identifiers: ClinVar variation 1068307 (VCV001068307.9), dbSNP rs2136542198, ClinGen allele CA384545335.
Genomic context (GRCh38, chr12:47,981,397, plus strand): 5'-ACTCACCGGAGCGCCACGAGCACCAGCACTTCCTGCAGGACCAGGAGGTCCAACTTCTCC[C>T]TGAGGGTGGGGAAGGGAGGAAGAGCTGGGGTAAGAAGGTGGGGAGGCAGAGTGGGAGAGG-3'